The following is an entry in ClinVar:

NM_012210.4(TRIM32):c.347G>A (p.Gly116Asp)

Genes: ASTN2 (astrotactin 2; minus strand), TRIM32 (tripartite motif containing 32; plus strand). Cytogenetic location: 9q33.1.
Variant type: single nucleotide variant.
Coding change: c.347G>A on transcript NM_012210.4 (MANE Select); coding-DNA position 347, G replaced by A.
Protein change: p.Gly116Asp; replaces glycine 116 with aspartic acid.
Molecular consequence: missense variant. On other transcripts: intron variant (3).
Genome position (GRCh38, 1-based): chr9:116,698,089, G>A. VCF-style: chr9-116698089-G-A. GRCh37 (hg19) VCF-style: chr9-119460368-G-A.
Other names: c.347G>A, p.Gly116Asp (NM_001099679.2, NM_001379048.1, NM_001379049.1 and 1 more transcripts); c.2653+27682C>T (NM_014010.5); c.2794+27682C>T (NM_001365069.1); c.2806+27682C>T (NM_001365068.1); short protein forms G116D.
Identifiers: ClinVar variation 849616 (VCV000849616.9), dbSNP rs767024504, ClinGen allele CA5210952.
Genomic context (GRCh38, chr9:116,698,089, plus strand): 5'-GGCTGCTCATGTGTCGGTCCTGTGGGCGGCGTCTGCCCCGGCAATTCTGCCGGAGCTGTG[G>A]TTTGGTGTTATGTGAGCCCTGCCGGGAGGCAGACCATCAGCCTCCTGGCCACTGTACACT-3'
Protein context (NP_036342.2, residues 106-126): RLPRQFCRSC[Gly116Asp]LVLCEPCREA

ClinVar aggregate classification (germline): Uncertain significance. Review status: criteria provided, multiple submitters, no conflicts (2 of 4 stars). 3 submissions from 3 submitters: Uncertain significance (3). Last evaluated 2025-04-12.

Conditions:
Bardet-Biedl syndrome (BBS). Identifiers: Orphanet 110, MedGen C0752166, MONDO:0015229.
Inborn genetic diseases. Identifiers: MedGen C0950123, MeSH D030342.
Sarcotubular myopathy (LGMDR8). Also called: Autosomal recessive limb-girdle muscular dystrophy type 2H; MUSCULAR DYSTROPHY, LIMB-GIRDLE, AUTOSOMAL RECESSIVE 8; Hutterite type of muscular dystrophy; Limb-girdle muscular dystrophy, type 2H. Identifiers: Orphanet 1878, MedGen C0270968, MONDO:0009683, OMIM 254110.
Bardet-Biedl syndrome 11 (BBS11). Identifiers: Orphanet 110, MedGen C1859569, MONDO:0014439, OMIM 615988.

Allele frequency attached by ClinVar (database versions not stated): gnomAD exomes below 0.00001; ExAC 0.00001.
gnomAD v4.1: 5 of 1,614,158 alleles (0.00031%); highest among the groups gnomAD compares: Non-Finnish European, 0.00042%; no homozygotes.

Submissions (3):

Ambry Genetics
Classification: Uncertain significance for Inborn genetic diseases. Last evaluated: 2025-04-12. Review status: criteria provided, single submitter. Criteria: Ambry Variant Classification Scheme 2023. Collection method: clinical testing. Allele origin: germline.

Fulgent Genetics
Classification: Uncertain significance for Sarcotubular myopathy; Bardet-Biedl syndrome 11. Last evaluated: 2024-06-20. Review status: criteria provided, single submitter. Criteria: ACMG Guidelines, 2015. Collection method: clinical testing. Allele origin: germline.

Labcorp Genetics (formerly Invitae), Labcorp
Classification: Uncertain significance for Bardet-Biedl syndrome. Last evaluated: 2022-08-07. Review status: criteria provided, single submitter. Criteria: Invitae Variant Classification Sherloc (09022015). Collection method: clinical testing. Allele origin: germline.
Comment: This sequence change replaces glycine, which is neutral and non-polar, with aspartic acid, which is acidic and polar, at codon 116 of the TRIM32 protein (p.Gly116Asp). This variant is present in population databases (rs767024504, gnomAD 0.0009%). This variant has not been reported in the literature in individuals affected with TRIM32-related conditions. ClinVar contains an entry for this variant (Variation ID: 849616). Algorithms developed to predict the effect of missense changes on protein structure and function (SIFT, PolyPhen-2, Align-GVGD) all suggest that this variant is likely to be tolerated. In summary, the available evidence is currently insufficient to determine the role of this variant in disease. Therefore, it has been classified as a Variant of Uncertain Significance.